The following is an entry in ClinVar:

NM_004113.6(FGF12):c.14-47623C>T

Gene: FGF12 (fibroblast growth factor 12; minus strand). Cytogenetic location: 3q28.
Variant type: single nucleotide variant.
Coding change: c.14-47623C>T on transcript NM_004113.6 (MANE Select); 47623 bases into the intron before coding-DNA position 14, C replaced by T.
Molecular consequence: intron variant. On other transcripts: synonymous variant (1).
Genome position (GRCh38, 1-based): chr3:192,408,161, G>A on the plus strand (C>T on the coding strand, the complement: FGF12 is on the minus strand). VCF-style: chr3-192408161-G-A. GRCh37 (hg19) VCF-style: chr3-192125950-G-A.
Other names: c.63C>T, p.Ser21= (NM_021032.5); c.-59-47623C>T (NM_001377293.1); c.14-72697C>T (NM_001377292.1); c.-60+1351C>T (NM_001377294.1).
Identifiers: ClinVar variation 707050 (VCV000707050.18), dbSNP rs140461705, ClinGen allele CA2755903.

ClinVar aggregate classification (germline): Benign/Likely benign. Review status: criteria provided, multiple submitters, no conflicts (2 of 4 stars). 3 submissions from 3 submitters: Benign (1); Likely benign (2). Last evaluated 2025-12-19.

Allele frequency attached by ClinVar (database versions not stated): gnomAD exomes 0.00027 and 0.00057; TOPMed 0.00036; gnomAD 0.00037; ExAC 0.00041; ESP Exome Variant Server 0.00047.
gnomAD v4.1: 465 of 1,610,872 alleles (0.029%); highest among the groups gnomAD compares: Non-Finnish European, 0.0053%; 2 homozygotes.

Submissions (3):

Labcorp Genetics (formerly Invitae), Labcorp
Classification: Benign. Last evaluated: 2025-12-19. Review status: criteria provided, single submitter. Criteria: Invitae Variant Classification Sherloc (09022015). Collection method: clinical testing. Allele origin: germline.

CeGaT Center for Human Genetics Tuebingen
Classification: Likely benign. Last evaluated: 2025-05-01. Review status: criteria provided, single submitter. Criteria: CeGaT Center For Human Genetics Tuebingen Variant Classification Criteria Version 2. Collection method: clinical testing. Allele origin: germline. Affected: yes. Observed: 1 variant allele.
Comment: FGF12: BP4, BS2

Blueprint Genetics
Classification: Likely benign. Last evaluated: 2024-11-26. Review status: criteria provided, single submitter. Criteria: ACMG Guidelines, 2015. Collection method: clinical testing. Allele origin: germline.